The following is an entry in ClinVar:

NM_001127222.2(CACNA1A):c.4138C>A (p.Leu1380Ile)

Genes: CACNA1A (calcium voltage-gated channel subunit alpha1 A; minus strand), LOC126862864 (MED14-independent group 3 enhancer GRCh37_chr19:13371552-13372751; plus strand). Cytogenetic location: 19p13.13.
Variant type: single nucleotide variant.
Coding change: c.4138C>A on transcript NM_001127222.2 (MANE Select); coding-DNA position 4138, C replaced by A.
Protein change: p.Leu1380Ile; replaces leucine 1380 with isoleucine.
Molecular consequence: missense variant.
Genome position (GRCh38, 1-based): chr19:13,261,562, G>T on the plus strand (C>A on the coding strand, the complement: CACNA1A is on the minus strand). VCF-style: chr19-13261562-G-T. GRCh37 (hg19) VCF-style: chr19-13372376-G-T.
Other names: c.4141C>A, p.Leu1381Ile (NM_001174080.2, NM_001127221.2); c.4150C>A, p.Leu1384Ile (NM_023035.3, NM_000068.4); short protein forms L1380I, L1381I, L1384I.
Identifiers: ClinVar variation 4085566 (VCV004085566.8).

ClinVar aggregate classification (germline): Likely pathogenic (1 of 4 stars; one submission).

Submission:

CeGaT Center for Human Genetics Tuebingen
Classification: Likely pathogenic. Last evaluated: 2026-02-01. Review status: criteria provided, single submitter. Criteria: CeGaT Center For Human Genetics Tuebingen Variant Classification Criteria Version 2. Collection method: clinical testing. Allele origin: germline. Affected: yes. Observed: 2 variant alleles.
Comment: CACNA1A: PM1, PM2, PP2, PP3